The following is an entry in ClinVar:

NM_015971.4(MRPS7):c.47C>T (p.Ala16Val)

Genes: GGA3 (golgi associated, gamma adaptin ear containing, ARF binding protein 3; minus strand), MRPS7 (mitochondrial ribosomal protein S7; plus strand). Cytogenetic location: 17q25.1.
Variant type: single nucleotide variant.
Coding change: c.47C>T on transcript NM_015971.4 (MANE Select); coding-DNA position 47, C replaced by T.
Protein change: p.Ala16Val; replaces alanine 16 with valine.
Molecular consequence: missense variant. On other transcripts: intron variant (2).
Genome position (GRCh38, 1-based): chr17:75,261,947, C>T. VCF-style: chr17-75261947-C-T. GRCh37 (hg19) VCF-style: chr17-73258028-C-T.
Other names: p.Ala16Val; c.-228+335G>A (NM_001172704.3); c.-177+335G>A (NM_001172703.3); short protein forms A16V.
Identifiers: ClinVar variation 380587 (VCV000380587.39), dbSNP rs148590649, ClinGen allele CA8760173.

ClinVar aggregate classification (germline): Benign/Likely benign. Review status: criteria provided, multiple submitters, no conflicts (2 of 4 stars). 5 submissions from 5 submitters: Benign (3); Likely benign (2). Last evaluated 2026-08-01.

Allele frequency attached by ClinVar (database versions not stated): gnomAD exomes 0.00436 and 0.00636; 1000 Genomes Project 0.00200; TOPMed 0.00426; ExAC 0.00413; gnomAD 0.00417 and 0.00418; 1000 Genomes Project 30x 0.00187; ESP Exome Variant Server 0.00477.
gnomAD v4.1: 9,947 of 1,608,276 alleles (0.62%); highest among the groups gnomAD compares: Middle Eastern, 0.89%; 50 homozygotes.

Submissions (5):

CeGaT Center for Human Genetics Tuebingen
Classification: Likely benign. Last evaluated: 2026-08-01. Review status: criteria provided, single submitter. Criteria: CeGaT Center For Human Genetics Tuebingen Variant Classification Criteria Version 2. Collection method: clinical testing. Allele origin: germline. Affected: yes. Observed: 16 variant alleles.
Comment: MRPS7: BP4, BS2

Labcorp Genetics (formerly Invitae), Labcorp
Classification: Benign. Last evaluated: 2026-01-06. Review status: criteria provided, single submitter. Criteria: Invitae Variant Classification Sherloc (09022015). Collection method: clinical testing. Allele origin: germline.

Mayo Clinic Laboratories, Mayo Clinic
Classification: Benign. Last evaluated: 2023-01-11. Review status: criteria provided, single submitter. Criteria: ACMG Guidelines, 2015. Collection method: clinical testing. Allele origin: germline. Observed: 5 variant alleles.
Comment: BS1, BS2, BP4

GeneDx
Classification: Benign. Last evaluated: 2020-03-05. Review status: criteria provided, single submitter. Criteria: GeneDx Variant Classification Process June 2021. Collection method: clinical testing. Allele origin: germline. Affected: yes.

Breakthrough Genomics
Classification: Likely benign. Review status: criteria provided, single submitter. Criteria: ACMG Guidelines, 2015. Collection method: not provided. Allele origin: germline. Inheritance: Autosomal recessive inheritance. Affected: yes.